The following is an entry in ClinVar:

NM_001127255.2(NLRP7):c.-39-4C>G

Gene: NLRP7 (NLR family pyrin domain containing 7; minus strand). Cytogenetic location: 19q13.42.
Variant type: single nucleotide variant.
Coding change: c.-39-4C>G on transcript NM_001127255.2 (MANE Select); 4 bases into the intron before 39 bases upstream of the start codon, C replaced by G.
Molecular consequence: intron variant.
Genome position (GRCh38, 1-based): chr19:54,941,754, G>C on the plus strand (C>G on the coding strand, the complement: NLRP7 is on the minus strand). VCF-style: chr19-54941754-G-C. GRCh37 (hg19) VCF-style: chr19-55453122-G-C.
Other names: c.-39-4C>G (NM_001405531.1, NM_139176.4, NM_206828.4).
Identifiers: ClinVar variation 127254 (VCV000127254.4), dbSNP rs199476227, ClinGen allele CA230812.

ClinVar aggregate classification (germline): not provided (0 of 4 stars; one submission).

Allele frequency attached by ClinVar (database versions not stated): TOPMed 0.00002; gnomAD 0.00003; ExAC 0.00004; gnomAD exomes 0.00004.
gnomAD v4.1: 30 of 1,585,264 alleles (0.0019%); highest among the groups gnomAD compares: Non-Finnish European, 0.0024%; no homozygotes.

Submission:

Human Evolutionary Genetics, Institut Pasteur
No classification provided. Review status: no classification provided. Collection method: not provided. Allele origin: germline.
ClinVar note: Converted during submission from untested to not provided.